The following is an entry in ClinVar:

NM_007217.4(PDCD10):c.430dup (p.Thr144fs)

Gene: PDCD10 (programmed cell death 10; minus strand). Cytogenetic location: 3q26.1.
Variant type: Duplication.
Coding change: c.430dup on transcript NM_007217.4 (MANE Select); coding-DNA position 430, one base duplicated (A; older notation c.430dupA).
Protein change: p.Thr144fs; shifts the reading frame from threonine 144.
Molecular consequence: frameshift variant.
Genome position (GRCh38, 1-based): chr3:167,687,659, T duplicated on the plus strand (A on the coding strand, the reverse complement: PDCD10 is on the minus strand). VCF-style (leftmost placement, unchanged base first): chr3-167687658-G-GT. GRCh37 (hg19) VCF-style: chr3-167405446-G-GT.
Other names: c.430dup, p.Thr144fs (NM_145859.2, NM_145860.2); short protein forms T144fs.
Identifiers: ClinVar variation 2757526 (VCV002757526.3), dbSNP rs2475664566, ClinGen allele CA2697556973.

ClinVar aggregate classification (germline): Pathogenic (1 of 4 stars; one submission).

Conditions:
Cerebral cavernous malformation 3. Also called: Familial Cerebral Cavernous Malformation 3. Identifiers: Orphanet 221061, MedGen C1864040, MONDO:0011305, OMIM 603285.

Submission:

Labcorp Genetics (formerly Invitae), Labcorp
Classification: Pathogenic for Cerebral cavernous malformation 3. Last evaluated: 2023-09-03. Review status: criteria provided, single submitter. Criteria: Invitae Variant Classification Sherloc (09022015). Collection method: clinical testing. Allele origin: germline.
Comment: This sequence change creates a premature translational stop signal (p.Thr144Asnfs*4) in the PDCD10 gene. It is expected to result in an absent or disrupted protein product. Loss-of-function variants in PDCD10 are known to be pathogenic (PMID: 15543491, 18300272, 23801932). For these reasons, this variant has been classified as Pathogenic. This variant has not been reported in the literature in individuals affected with PDCD10-related conditions. This variant is not present in population databases (gnomAD no frequency).

Literature cited by the submitters: PubMed 15543491; PubMed 18300272; PubMed 23801932.